The following is an entry in ClinVar:

NM_001037.5(SCN1B):c.448+82C>T

Gene: SCN1B (sodium voltage-gated channel beta subunit 1; plus strand). Cytogenetic location: 19q13.11.
Variant type: single nucleotide variant.
Coding change: c.448+82C>T on transcript NM_001037.5 (MANE Select); 82 bases into the intron after coding-DNA position 448, C replaced by T.
Molecular consequence: intron variant. On other transcripts: missense variant (1).
Genome position (GRCh38, 1-based): chr19:35,033,821, C>T. VCF-style: chr19-35033821-C-T. GRCh37 (hg19) VCF-style: chr19-35524725-C-T.
Other names: c.530C>T, p.Thr177Ile (NM_199037.5); c.349+82C>T (NM_001321605.2); short protein forms T177I.
Identifiers: ClinVar variation 2152184 (VCV002152184.4), dbSNP rs1306407610, ClinGen allele CA405329248.

ClinVar aggregate classification (germline): Uncertain significance (1 of 4 stars; one submission).

Conditions:
Brugada syndrome 5 (BRGDA5). Identifiers: Orphanet 130, Orphanet 871, MedGen C2748541, MONDO:0013015, OMIM 612838.

Allele frequency attached by ClinVar (database versions not stated): gnomAD exomes 0.00001.

Submission:

Labcorp Genetics (formerly Invitae), Labcorp
Classification: Uncertain significance for Brugada syndrome 5. Last evaluated: 2022-10-21. Review status: criteria provided, single submitter. Criteria: Invitae Variant Classification Sherloc (09022015). Collection method: clinical testing. Allele origin: germline.
Comment: This sequence change replaces threonine, which is neutral and polar, with isoleucine, which is neutral and non-polar, at codon 177 of the SCN1B protein (p.Thr177Ile). This variant is present in population databases (no rsID available, gnomAD 0.002%). This variant has not been reported in the literature in individuals affected with SCN1B-related conditions. Algorithms developed to predict the effect of missense changes on protein structure and function are either unavailable or do not agree on the potential impact of this missense change (SIFT: "Deleterious"; PolyPhen-2: "Possibly Damaging"; Align-GVGD: "Class C0"). In summary, the available evidence is currently insufficient to determine the role of this variant in disease. Therefore, it has been classified as a Variant of Uncertain Significance.